The following is an entry in ClinVar:

ClinVar aggregate classification (germline): Uncertain significance (1 of 4 stars; one submission).

Conditions:
Inborn genetic diseases. Identifiers: MedGen C0950123, MeSH D030342.

Allele frequency attached by ClinVar (database versions not stated): gnomAD exomes below 0.00001.
gnomAD v4.1: 2 of 1,614,052 alleles (0.00012%); highest among the groups gnomAD compares: South Asian, 0.0011%; no homozygotes.

Submission:

Ambry Genetics
Classification: Uncertain significance for Inborn genetic diseases. Last evaluated: 2023-02-08. Review status: criteria provided, single submitter. Criteria: Ambry Variant Classification Scheme 2023. Collection method: clinical testing. Allele origin: germline.
Comment: The p.M724T variant (also known as c.2171T>C), located in coding exon 18 of the LRRK2 gene, results from a T to C substitution at nucleotide position 2171. The methionine at codon 724 is replaced by threonine, an amino acid with similar properties. This amino acid position is conserved. In addition, this alteration is predicted to be deleterious by in silico analysis. Since supporting evidence is limited at this time, the clinical significance of this alteration remains unclear.

NM_198578.4(LRRK2):c.2171T>C (p.Met724Thr)

Gene: LRRK2 (leucine rich repeat kinase 2; plus strand). Cytogenetic location: 12q12.
Variant type: single nucleotide variant.
Coding change: c.2171T>C on transcript NM_198578.4 (MANE Select); coding-DNA position 2171, T replaced by C.
Protein change: p.Met724Thr; replaces methionine 724 with threonine.
Molecular consequence: missense variant.
Genome position (GRCh38, 1-based): chr12:40,278,191, T>C. VCF-style: chr12-40278191-T-C. GRCh37 (hg19) VCF-style: chr12-40671993-T-C.
Other names: short protein forms M724T.
Identifiers: ClinVar variation 3229542 (VCV003229542.1), dbSNP rs1023041271, ClinGen allele CA235331737.
Genomic context (GRCh38, chr12:40,278,191, plus strand): 5'-TGGATGATTACTTAAAAAATGTGATGCTAGAGAGAGCGTGTGATCAGAATAACAGCATCA[T>C]GGTTGAATGCTTGCTTCTATTGGGAGCAGATGCCAATCAAGCAAAGGAGGGATCTTCTTT-3'
Protein context (NP_940980.4, residues 714-734): ERACDQNNSI[Met724Thr]VECLLLLGAD